The following is an entry in ClinVar:

ClinVar aggregate classification (germline): Benign (1 of 4 stars; one submission).

Allele frequency attached by ClinVar (database versions not stated): gnomAD exomes 0.00654; gnomAD 0.02425 and 0.02565; 1000 Genomes Project 0.02556; TOPMed 0.02748; 1000 Genomes Project 30x 0.02764.
gnomAD v4.1: 10,424 of 1,144,754 alleles (0.91%); highest among the groups gnomAD compares: African/African-American, 6.7%; 212 homozygotes.

Submission:

GeneDx
Classification: Benign. Last evaluated: 2018-06-14. Review status: criteria provided, single submitter. Criteria: GeneDx Variant Classification (06012015). Collection method: clinical testing. Allele origin: germline. Affected: yes.
Comment: This variant is considered likely benign or benign based on one or more of the following criteria: it is a conservative change, it occurs at a poorly conserved position in the protein, it is predicted to be benign by multiple in silico algorithms, and/or has population frequency not consistent with disease.

NM_080680.3(COL11A2):c.3798+99G>A

Gene: COL11A2 (collagen type XI alpha 2 chain; minus strand). Cytogenetic location: 6p21.32.
Variant type: single nucleotide variant.
Coding change: c.3798+99G>A on transcript NM_080680.3 (MANE Select); 99 bases into the intron after coding-DNA position 3798, G replaced by A.
Molecular consequence: intron variant.
Genome position (GRCh38, 1-based): chr6:33,169,284, C>T on the plus strand (G>A on the coding strand, the complement: COL11A2 is on the minus strand). VCF-style: chr6-33169284-C-T. GRCh37 (hg19) VCF-style: chr6-33137061-C-T.
Other names: c.3477+99G>A (NM_080679.3); c.3540+99G>A (NM_080681.3).
Identifiers: ClinVar variation 676711 (VCV000676711.1), dbSNP rs115196704, ClinGen allele CA137064194.